The following is an entry in ClinVar:

ClinVar aggregate classification (germline): Uncertain significance (1 of 4 stars; one submission).

Submission:

GeneDx
Classification: Uncertain significance. Last evaluated: 2020-10-26. Review status: criteria provided, single submitter. Criteria: GeneDx Variant Classification Process June 2021. Collection method: clinical testing. Allele origin: germline. Affected: yes.
Comment: Not observed in large population cohorts (Lek et al., 2016); In silico analysis supports that this missense variant has a deleterious effect on protein structure/function; Has not been previously published as pathogenic or benign to our knowledge

NM_007118.4(TRIO):c.4725C>G (p.Ser1575Arg)

Gene: TRIO (trio Rho guanine nucleotide exchange factor; plus strand). Cytogenetic location: 5p15.2.
Variant type: single nucleotide variant.
Coding change: c.4725C>G on transcript NM_007118.4 (MANE Select); coding-DNA position 4725, C replaced by G.
Protein change: p.Ser1575Arg; replaces serine 1575 with arginine.
Molecular consequence: missense variant. On other transcripts: non-coding transcript variant (1).
Genome position (GRCh38, 1-based): chr5:14,405,856, C>G. VCF-style: chr5-14405856-C-G. GRCh37 (hg19) VCF-style: chr5-14405965-C-G.
Other names: short protein forms S1575R.
Identifiers: ClinVar variation 1313259 (VCV001313259.2), dbSNP rs756378628, ClinGen allele CA359197106.
Genomic context (GRCh38, chr5:14,405,856, plus strand): 5'-AGGTCTGGAAAGGGCCGTTCCGTATCCTAAGCAACGCTAACACCTTGTTAAGGCTTCCAG[C>G]ATAGAGAACAAGCAGGACTGGATAAAGCATATCCGCGAAGTCATCCAGGAGCGGACGATC-3'
Protein context (NP_009049.2, residues 1565-1585): SDNKIVLKAS[Ser1575Arg]IENKQDWIKH